The following is an entry in ClinVar:

NM_152269.5(MTRFR):c.283T>C (p.Cys95Arg)

Gene: MTRFR (mitochondrial translation release factor in rescue; plus strand). Cytogenetic location: 12q24.31.
Variant type: single nucleotide variant.
Coding change: c.283T>C on transcript NM_152269.5 (MANE Select); coding-DNA position 283, T replaced by C.
Protein change: p.Cys95Arg; replaces cysteine 95 with arginine.
Molecular consequence: missense variant.
Genome position (GRCh38, 1-based): chr12:123,256,813, T>C. VCF-style: chr12-123256813-T-C. GRCh37 (hg19) VCF-style: chr12-123741360-T-C.
Other names: c.283T>C, p.Cys95Arg (NM_001143905.2, NM_001194995.1); short protein forms C95R.
Identifiers: ClinVar variation 418100 (VCV000418100.2), dbSNP rs1064793074, ClinGen allele CA16619452.
Genomic context (GRCh38, chr12:123,256,813, plus strand): 5'-AGGTCCTGTCCATTTTTAACATCCTGTGGTTTTCACATTATAAAATATTATCTCTTACAG[T>C]GCCATCAGACAAGATCAGTTGATCAGAACAGAAAGCTAGCTCGGAAAATCCTACAAGAGA-3'
Protein context (NP_689482.1, residues 85-105): KHIPSGIVVK[Cys95Arg]HQTRSVDQNR

ClinVar aggregate classification (germline): Likely pathogenic (1 of 4 stars; one submission).

Allele frequency attached by ClinVar (database versions not stated): gnomAD exomes 0.00001.
gnomAD v4.1: 7 of 1,608,596 alleles (0.00044%); highest among the groups gnomAD compares: Non-Finnish European, 0.0006%; no homozygotes.

Submission:

GeneDx
Classification: Likely pathogenic. Last evaluated: 2015-02-27. Review status: criteria provided, single submitter. Criteria: GeneDx Variant Classification (06012015). Collection method: clinical testing. Allele origin: germline. Affected: yes.
Comment: A novel C95R variant that is likely pathogenic was identified in the C12ORF65 gene. It has not been published as a pathogenic variant, nor has it been reported as a benign polymorphism to our knowledge. The C95R variant is a non-conservative amino acid substitution, which is likely to impact secondary protein structure as these residues differ in polarity, charge, size and/or other properties. This substitution occurs at a position that is conserved across species. In silico analysis predicts this variant is probably damaging to the protein structure/function. Therefore, this variant is a strong candidate for a pathogenic variant, however the possibility that it is a benign variant cannot be excluded.